The following is an entry in ClinVar:

NM_033310.3(KCNK4):c.24C>T (p.Ala8=)

Genes: KCNK4 (potassium two pore domain channel subfamily K member 4; plus strand), KCNK4-CATSPERZ (KCNK4-CATSPERZ readthrough (NMD candidate); plus strand). Cytogenetic location: 11q13.1.
Variant type: single nucleotide variant.
Coding change: c.24C>T on transcript NM_033310.3 (MANE Select); coding-DNA position 24, C replaced by T.
Protein change: p.Ala8=; no amino-acid change (alanine 8 retained).
Molecular consequence: synonymous variant. On other transcripts: non-coding transcript variant (2).
Genome position (GRCh38, 1-based): chr11:64,293,042, C>T. VCF-style: chr11-64293042-C-T. GRCh37 (hg19) VCF-style: chr11-64060514-C-T.
Other names: c.24C>T (NM_033310.2); c.24C>T, p.Ala8= (NM_001317090.2).
Identifiers: ClinVar variation 1575952 (VCV001575952.40), dbSNP rs76192175, ClinGen allele CA6072931.

ClinVar aggregate classification (germline): Benign/Likely benign. Review status: criteria provided, multiple submitters, no conflicts (2 of 4 stars). 4 submissions from 4 submitters: Benign (2); Likely benign (1). 1 of the submissions does not count toward it. Last evaluated 2026-09-01.

Conditions:
KCNK4-related disorder. Also called: KCNK4-related condition.

Allele frequency attached by ClinVar (database versions not stated): 1000 Genomes Project 0.00160; 1000 Genomes Project 30x 0.00203; gnomAD exomes 0.00345 and 0.00667; TOPMed 0.00386; gnomAD 0.00393 and 0.00391; ExAC 0.00401; ESP Exome Variant Server 0.00514.
gnomAD v4.1: 9,854 of 1,547,802 alleles (0.64%); highest among the groups gnomAD compares: Non-Finnish European, 0.79%; 49 homozygotes.

Submissions (4):

CeGaT Center for Human Genetics Tuebingen
Classification: Likely benign. Last evaluated: 2026-09-01. Review status: criteria provided, single submitter. Criteria: CeGaT Center For Human Genetics Tuebingen Variant Classification Criteria Version 2. Collection method: clinical testing. Allele origin: germline. Affected: yes. Observed: 25 variant alleles.
Comment: KCNK4: BP4, BP7, BS2; KCNK4-CATSPERZ: BS2

Labcorp Genetics (formerly Invitae), Labcorp
Classification: Benign. Last evaluated: 2026-02-03. Review status: criteria provided, single submitter. Criteria: Invitae Variant Classification Sherloc (09022015). Collection method: clinical testing. Allele origin: germline.

Breakthrough Genomics
Classification: Benign. Review status: criteria provided, single submitter. Criteria: ACMG Guidelines, 2015. Collection method: not provided. Allele origin: germline. Inheritance: Autosomal dominant inheritance. Affected: yes.

PreventionGenetics, part of Exact Sciences
Classification: Benign for KCNK4-related condition. Last evaluated: 2024-05-06. Review status: no assertion criteria provided. Collection method: clinical testing. Allele origin: germline. Not counted in ClinVar's aggregate classification.
Comment: This variant is classified as benign based on ACMG/AMP sequence variant interpretation guidelines (Richards et al. 2015 PMID: 25741868, with internal and published modifications).